The following is an entry in ClinVar:

NM_002335.4(LRP5):c.3368T>C (p.Leu1123Pro)

Gene: LRP5 (LDL receptor related protein 5; plus strand). Cytogenetic location: 11q13.2.
Variant type: single nucleotide variant.
Coding change: c.3368T>C on transcript NM_002335.4 (MANE Select); coding-DNA position 3368, T replaced by C.
Protein change: p.Leu1123Pro; replaces leucine 1123 with proline.
Molecular consequence: missense variant.
Genome position (GRCh38, 1-based): chr11:68,425,233, T>C. VCF-style: chr11-68425233-T-C. GRCh37 (hg19) VCF-style: chr11-68192701-T-C.
Other names: c.1625T>C, p.Leu542Pro (NM_001291902.2); short protein forms L1123P, L542P.
Identifiers: ClinVar variation 1442323 (VCV001442323.8), dbSNP rs137928647, ClinGen allele CA224278399.
Genomic context (GRCh38, chr11:68,425,233, plus strand): 5'-GCGAGGTCCTCTTCACCACCGGCCTCATCCGCCCTGTGGCCCTGGTGGTGGACAACACAC[T>C]GGGCAAGCTGTTCTGGGTGGACGCGGACCTGAAGCGCATTGAGAGCTGTGACCTGTCAGG-3'
Protein context (NP_002326.2, residues 1113-1133): RPVALVVDNT[Leu1123Pro]GKLFWVDADL

ClinVar aggregate classification (germline): Uncertain significance (1 of 4 stars; one submission).

Allele frequency attached by ClinVar (database versions not stated): gnomAD exomes below 0.00001; TOPMed below 0.00001; ESP Exome Variant Server 0.00008.
gnomAD v4.1: 1 of 1,612,566 alleles (0.000062%); highest among the groups gnomAD compares: Non-Finnish European, 0.000085%; no homozygotes.

Submission:

Labcorp Genetics (formerly Invitae), Labcorp
Classification: Uncertain significance. Last evaluated: 2021-04-25. Review status: criteria provided, single submitter. Criteria: Invitae Variant Classification Sherloc (09022015). Collection method: clinical testing. Allele origin: germline.
Comment: Advanced modeling of protein sequence and biophysical properties (such as structural, functional, and spatial information, amino acid conservation, physicochemical variation, residue mobility, and thermodynamic stability) performed at Invitae indicates that this missense variant is expected to disrupt LRP5 protein function. This variant has not been reported in the literature in individuals with LRP5-related conditions. This variant is not present in population databases (ExAC no frequency). This sequence change replaces leucine with proline at codon 1123 of the LRP5 protein (p.Leu1123Pro). The leucine residue is highly conserved and there is a moderate physicochemical difference between leucine and proline. In summary, the available evidence is currently insufficient to determine the role of this variant in disease. Therefore, it has been classified as a Variant of Uncertain Significance.